The following is an entry in ClinVar:

NM_015557.3(CHD5):c.470C>T (p.Thr157Met)

Gene: CHD5 (chromodomain helicase DNA binding protein 5; minus strand). Cytogenetic location: 1p36.31.
Variant type: single nucleotide variant.
Coding change: c.470C>T on transcript NM_015557.3 (MANE Select); coding-DNA position 470, C replaced by T.
Protein change: p.Thr157Met; replaces threonine 157 with methionine.
Molecular consequence: missense variant.
Genome position (GRCh38, 1-based): chr1:6,155,635, G>A on the plus strand (C>T on the coding strand, the complement: CHD5 is on the minus strand). VCF-style: chr1-6155635-G-A. GRCh37 (hg19) VCF-style: chr1-6215695-G-A.
Other names: short protein forms T157M.
Identifiers: ClinVar variation 5038659 (VCV005038659.1).

ClinVar aggregate classification (germline): Likely benign (1 of 4 stars; one submission).

gnomAD v4.1: 734 of 1,614,146 alleles (0.045%); highest among the groups gnomAD compares: East Asian, 1.5%; 9 homozygotes.

Submission:

CeGaT Center for Human Genetics Tuebingen
Classification: Likely benign. Last evaluated: 2026-07-01. Review status: criteria provided, single submitter. Criteria: CeGaT Center For Human Genetics Tuebingen Variant Classification Criteria Version 2. Collection method: clinical testing. Allele origin: germline. Affected: yes. Observed: 1 variant allele.
Comment: CHD5: PP2, BS1